The following is an entry in ClinVar:

NM_000053.4(ATP7B):c.4395C>A (p.Ile1465=)

Gene: ATP7B (ATPase copper transporting beta; minus strand). Cytogenetic location: 13q14.3.
Variant type: single nucleotide variant.
Coding change: c.4395C>A on transcript NM_000053.4 (MANE Select); coding-DNA position 4395, C replaced by A.
Protein change: p.Ile1465=; no amino-acid change (isoleucine 1465 retained).
Molecular consequence: synonymous variant.
Genome position (GRCh38, 1-based): chr13:51,934,759, G>T on the plus strand (C>A on the coding strand, the complement: ATP7B is on the minus strand). VCF-style: chr13-51934759-G-T. GRCh37 (hg19) VCF-style: chr13-52508895-G-T.
Other names: c.3774C>A, p.Ile1258= (NM_001005918.3); c.4062C>A, p.Ile1354= (NM_001243182.2); c.4161C>A, p.Ile1387= (NM_001330578.2); c.4143C>A, p.Ile1381= (NM_001330579.2).
Identifiers: ClinVar variation 456558 (VCV000456558.14), dbSNP rs199859839, ClinGen allele CA6988406.

ClinVar aggregate classification (germline): Likely benign. Review status: criteria provided, multiple submitters, no conflicts (2 of 4 stars). 4 submissions from 4 submitters: Likely benign (4). Last evaluated 2025-12-01.

Conditions:
Wilson disease (WND). Also called: Wilson's disease. Identifiers: Orphanet 905, MedGen C0019202, MONDO:0010200, OMIM 277900. Disease mechanism: loss of function.

Allele frequency attached by ClinVar (database versions not stated): TOPMed 0.00015; 1000 Genomes Project 0.00020; 1000 Genomes Project 30x 0.00031; gnomAD exomes below 0.00001 and 0.00001; ExAC 0.00001; gnomAD 0.00007 and 0.00009.
gnomAD v4.1: 21 of 1,613,592 alleles (0.0013%); highest among the groups gnomAD compares: Admixed American, 0.028%; no homozygotes.

Submissions (4):

Labcorp Genetics (formerly Invitae), Labcorp
Classification: Likely benign for Wilson disease. Last evaluated: 2025-12-01. Review status: criteria provided, single submitter. Criteria: Invitae Variant Classification Sherloc (09022015). Collection method: clinical testing. Allele origin: germline.

All of Us Research Program, National Institutes of Health
Classification: Likely benign for Wilson disease. Last evaluated: 2023-11-30. Review status: criteria provided, single submitter. Criteria: ACMG Guidelines, 2015. Collection method: clinical testing. Allele origin: germline. Inheritance: Autosomal recessive inheritance. Observed: 8 variant alleles, 8 heterozygotes.
Comment: This study involves interpretation of variants in research participants for the purpose of population health screening. Participant phenotype was not available at the time of variant classification. Additional details can be found in publication PMID: 35346344, PMCID: PMC8962531

Blueprint Genetics
Classification: Likely benign. Last evaluated: 2022-10-25. Review status: criteria provided, single submitter. Criteria: ACMG Guidelines, 2015. Collection method: clinical testing. Allele origin: germline.

Color Diagnostics, LLC DBA Color Health
Classification: Likely benign for Wilson disease. Last evaluated: 2022-06-24. Review status: criteria provided, single submitter. Criteria: ACMG Guidelines, 2015. Collection method: clinical testing. Allele origin: germline.